The following is an entry in ClinVar:

NM_000059.4(BRCA2):c.7051G>C (p.Ala2351Pro)

Gene: BRCA2 (BRCA2 DNA repair associated; plus strand). Cytogenetic location: 13q13.1.
Variant type: single nucleotide variant.
Coding change: c.7051G>C on transcript NM_000059.4 (MANE Select); coding-DNA position 7051, G replaced by C.
Protein change: p.Ala2351Pro; replaces alanine 2351 with proline.
Molecular consequence: missense variant.
Genome position (GRCh38, 1-based): chr13:32,354,904, G>C. VCF-style: chr13-32354904-G-C. GRCh37 (hg19) VCF-style: chr13-32929041-G-C.
Other names: p.A2351P:GCA>CCA; short protein forms A2351P.
Identifiers: ClinVar variation 52257 (VCV000052257.46), dbSNP rs80358930, ClinGen allele CA024802.
Genomic context (GRCh38, chr13:32,354,904, plus strand): 5'-TTTTCTCCCCATTGCAGCACAACTAAGGAACGTCAAGAGATACAGAATCCAAATTTTACC[G>C]CACCTGGTCAAGAATTTCTGTCTAAATCTCATTTGTATGAACATCTGACTTTGGAAAAAT-3'
Protein context (NP_000050.3, residues 2341-2361): RQEIQNPNFT[Ala2351Pro]PGQEFLSKSH

ClinVar aggregate classification (germline): Uncertain significance. Review status: criteria provided, multiple submitters, no conflicts (2 of 4 stars). 12 submissions from 12 submitters: Uncertain significance (10). 2 of the submissions do not count toward it. Last evaluated 2026-01-11.

Conditions:
Familial cancer of breast. Also called: BREAST CANCER, FAMILIAL; Hereditary breast cancer; hereditary breast carcinoma. Identifiers: Orphanet 227535, MedGen C0346153, MONDO:0016419, OMIM 114480. Disease mechanism: loss of function.
Hereditary breast ovarian cancer syndrome. Also called: Hereditary breast and ovarian cancer syndrome; Hereditary breast and ovarian cancer; Hereditary breast and ovarian cancer syndrome (HBOC); Breast and ovarian cancer; Hereditary breast and/or ovarian cancer syndrome; BRCA1- and BRCA2-Associated Hereditary Breast and Ovarian Cancer. Identifiers: Orphanet 145, MedGen C0677776, MeSH D061325, MONDO:0003582. Disease mechanism: loss of function.
Hereditary cancer-predisposing syndrome. Also called: Neoplastic Syndromes, Hereditary; Tumor predisposition; Hereditary neoplastic syndrome; Hereditary Cancer Syndrome. Identifiers: Orphanet 140162, MedGen C0027672, MeSH D009386, MONDO:0015356.
BRCA2-related cancer predisposition. Identifiers: MedGen CN377758, MONDO:0700269.
Breast-ovarian cancer, familial, susceptibility to, 2 (BROVCA2). Also called: BRCA2 Hereditary Breast and Ovarian Cancer. Identifiers: Orphanet 145, MedGen C2675520, MONDO:0012933, OMIM 612555. Disease mechanism: loss of function.

Allele frequency attached by ClinVar (database versions not stated): TOPMed 0.00002.
gnomAD v4.1: 6 of 1,613,252 alleles (0.00037%); highest among the groups gnomAD compares: Middle Eastern, 0.016%; no homozygotes.

Submissions (12):

Labcorp Genetics (formerly Invitae), Labcorp
Classification: Uncertain significance for Hereditary breast ovarian cancer syndrome. Last evaluated: 2026-01-11. Review status: criteria provided, single submitter. Criteria: Invitae Variant Classification Sherloc (09022015). Collection method: clinical testing. Allele origin: germline.
Comment: This sequence change replaces alanine, which is neutral and non-polar, with proline, which is neutral and non-polar, at codon 2351 of the BRCA2 protein (p.Ala2351Pro). This variant is present in population databases (rs80358930, gnomAD 0.0009%). This missense change has been observed in individual(s) with breast and/or ovarian cancer (PMID: 28111427, 33629534). ClinVar contains an entry for this variant (Variation ID: 52257). Invitae Evidence Modeling of protein sequence and biophysical properties (such as structural, functional, and spatial information, amino acid conservation, physicochemical variation, residue mobility, and thermodynamic stability) indicates that this missense variant is not expected to disrupt BRCA2 protein function with a negative predictive value of 95%. In summary, the available evidence is currently insufficient to determine the role of this variant in disease. Therefore, it has been classified as a Variant of Uncertain Significance.

Color Diagnostics, LLC DBA Color Health
Classification: Uncertain significance for Hereditary cancer-predisposing syndrome. Last evaluated: 2025-11-11. Review status: criteria provided, single submitter. Criteria: ACMG Guidelines, 2015. Collection method: clinical testing. Allele origin: germline.
Comment: This missense variant replaces alanine with proline at codon 2351 of the BRCA2 protein. Computational prediction suggests that this variant may not impact protein structure and function. A functional study reported that this variant does not impact BRCA2 in the rescue of Brca2-deficiency in a growth assay and in sensitivity assays to cisplatin and PARP inhibitor (PMID: 37922907). This variant has been reported in an individual affected with ovarian cancer (PMID: 33629534). Multifactorial analysis reached a combined likelihood ratio (LR) of 5.004 based on case-control data, co-occurrence with a pathogenic variant, and personal and family history (PMID: 31131967, 31853058, 40413188). This variant has been identified in 2/250694 chromosomes in the general population by the Genome Aggregation Database (gnomAD). The available evidence is insufficient to determine the role of this variant in disease conclusively. Therefore, this variant is classified as a Variant of Uncertain Significance.

Quest Diagnostics Nichols Institute San Juan Capistrano
Classification: Uncertain significance. Last evaluated: 2025-04-28. Review status: criteria provided, single submitter. Criteria: Quest Diagnostics criteria. Collection method: clinical testing. Allele origin: unknown.
Comment: The BRCA2 c.7051G>C (p.Ala2351Pro) variant has been reported in the published literature in individuals with epithelial ovarian cancer (PMID: 33629534 (2021), breast and/or ovarian cancer (PMID: 28111427 (2017)) as well as in reportedly unaffected individuals (PMID: 36243179 (2022)). The frequency of this variant in the general population (Genome Aggregation Database) is uninformative in the assessment of its pathogenicity. Analysis of this variant using bioinformatics tools for the prediction of the effect of amino acid changes on protein structure and function yielded predictions that this variant is benign. Based on the available information, we are unable to determine the clinical significance of this variant.

All of Us Research Program, National Institutes of Health
Classification: Uncertain significance for BRCA2-related cancer predisposition. Last evaluated: 2024-09-23. Review status: criteria provided, single submitter. Criteria: ACMG Guidelines, 2015. Collection method: clinical testing. Allele origin: germline. Inheritance: Autosomal dominant inheritance. Observed: 2 variant alleles, 2 heterozygotes.
Comment: This missense variant replaces alanine with proline at codon 2351 of the BRCA2 protein. Computational prediction suggests that this variant may not impact protein structure and function (internally defined REVEL score threshold <= 0.5, PMID: 27666373). To our knowledge, functional studies have not been reported for this variant. This variant has been reported in an individual affected with ovarian cancer (PMID: 33629534) and in a multifactorial analysis with co-occurrence and family history likelihood ratios for pathogenicity of 1.0757 and 0.641, respectively (PMID: 31131967). This variant has been identified in 2/250694 chromosomes in the general population by the Genome Aggregation Database (gnomAD). The available evidence is insufficient to determine the role of this variant in disease conclusively. Therefore, this variant is classified as a Variant of Uncertain Significance.

This study involves interpretation of variants in research participants for the purpose of population health screening. Participant phenotype was not available at the time of variant classification. Additional details can be found in publication PMID: 35346344, PMCID: PMC8962531

Ambry Genetics
Classification: Uncertain significance for Hereditary cancer-predisposing syndrome. Last evaluated: 2024-06-05. Review status: criteria provided, single submitter. Criteria: Ambry Variant Classification Scheme 2023. Collection method: clinical testing. Allele origin: germline.
Comment: The p.A2351P variant (also known as c.7051G>C), located in coding exon 13 of the BRCA2 gene, results from a G to C substitution at nucleotide position 7051. The alanine at codon 2351 is replaced by proline, an amino acid with highly similar properties. This alteration was also identified in an individual diagnosed with ovarian cancer (Sunar V et al. Asia Pac J Clin Oncol, 2022 Feb;18:84-92). This amino acid position is not well conserved in available vertebrate species. In addition, this alteration is predicted to be tolerated by in silico analysis. Based on the available evidence, the clinical significance of this variant remains unclear.

Women's Health and Genetics/Laboratory Corporation of America, LabCorp
Classification: Uncertain significance. Last evaluated: 2024-03-29. Review status: criteria provided, single submitter. Criteria: LabCorp Variant Classification Summary - May 2015. Collection method: clinical testing. Allele origin: germline.
Comment: Variant summary: BRCA2 c.7051G>C (p.Ala2351Pro) results in a non-conservative amino acid change in the encoded protein sequence. Four of five in-silico tools predict a benign effect of the variant on protein function. The variant allele was found at a frequency of 8e-06 in 250694 control chromosomes. The available data on variant occurrences in the general population are insufficient to allow any conclusion about variant significance. c.7051G>C has been reported in the literature with the protein level name (Ala2351Pro) in an individual susceptible to hereditary breast and ovarian cancer (Park_2017), in a patient affected with lung cancer (Klempner_2017), and in an epithelial ovarian cancer patient (Sundar_2022). These report(s) do not provide unequivocal conclusions about association of the variant with Hereditary Breast And Ovarian Cancer Syndrome. To our knowledge, no experimental evidence demonstrating an impact on protein function has been reported. The following publications have been ascertained in the context of this evaluation (PMID: 29255376, 28111427, 33629534). ClinVar contains an entry for this variant (Variation ID: 52257). Based on the evidence outlined above, the variant was classified as uncertain significance.

Baylor Genetics
Classification: Uncertain significance for Familial cancer of breast. Last evaluated: 2024-01-11. Review status: criteria provided, single submitter. Criteria: ACMG Guidelines, 2015. Collection method: clinical testing. Allele origin: unknown.

GeneDx
Classification: Uncertain significance. Last evaluated: 2023-12-21. Review status: criteria provided, single submitter. Criteria: GeneDx Variant Classification Process June 2021. Collection method: clinical testing. Allele origin: germline. Affected: yes.
Comment: Published functional studies suggest a neutral effect: demonstrated cell viability and drug sensitivity comparable to wild type (PMID: 37922907); Not observed at significant frequency in large population cohorts (gnomAD); In silico analysis supports that this missense variant does not alter protein structure/function; Also known as 7279G>C; This variant is associated with the following publications: (PMID: 31131967, 33629534, 29255376, 28111427, 29884841, 36344258, 37020472, 36243179, 35534704, 37922907)

Mendelics
Classification: Uncertain significance. Last evaluated: 2022-05-04. Review status: criteria provided, single submitter. Criteria: Mendelics Assertion Criteria 2019. Collection method: clinical testing. Allele origin: germline.

ARUP Laboratories, Molecular Genetics and Genomics, ARUP Laboratories
Classification: Uncertain significance. Last evaluated: 2021-07-16. Review status: criteria provided, single submitter. Criteria: ARUP Molecular Germline Variant Investigation Process 2021. Collection method: clinical testing. Allele origin: germline.
Comment: The BRCA2 c.7051G>C; p.Ala2351Pro variant (rs80358930) is reported in one individual with a clinical diagnosis of hereditary breast and/or ovarian cancer, but the variant was not determined to be causative (Park 2017). The variant is reported as a variant of uncertain significance by several sources in the ClinVar database (Variation ID: 52257). This variant is only observed on two alleles in the Genome Aggregation Database, indicating it is not a common polymorphism. The alanine at codon 2351 is weakly conserved, but computational analyses are uncertain whether this variant is neutral or deleterious (REVEL: 0.462). Due to limited information, the clinical significance of the p.Ala2351Pro variant is uncertain at this time. References: Park JS et al. Identification of a Novel BRCA1 Pathogenic Mutation in Korean Patients Following Reclassification of BRCA1 and BRCA2 Variants According to the ACMG Standards and Guidelines Using Relevant Ethnic Controls. Cancer Res Treat. 2017 Oct;49(4):1012-1021. PMID: 28111427.

Counsyl
Classification: Uncertain significance for Breast-ovarian cancer, familial, susceptibility to, 2. Last evaluated: 2016-07-11. Review status: no assertion criteria provided. Collection method: clinical testing. Allele origin: unknown. Not counted in ClinVar's aggregate classification.

Breast Cancer Information Core (BIC) (BRCA2)
Classification: Uncertain significance for Breast-ovarian cancer, familial 2. Last evaluated: 2003-12-23. Review status: no assertion criteria provided. Collection method: clinical testing. Allele origin: germline. Affected: yes. Observed: 3 variant alleles. Not counted in ClinVar's aggregate classification.

Literature cited by the submitters: PubMed 28111427 (cited by 4 submitters); PubMed 33629534 (cited by 6 submitters); PubMed 31131967 (cited by 3 submitters); PubMed 31853058 (cited by Color Diagnostics, LLC DBA Color Health); PubMed 37922907 (cited by Color Diagnostics, LLC DBA Color Health); PubMed 40413188 (cited by Color Diagnostics, LLC DBA Color Health); PubMed 35534704 (cited by Quest Diagnostics Nichols Institute San Juan Capistrano); PubMed 36243179 (cited by Quest Diagnostics Nichols Institute San Juan Capistrano); PubMed 29255376 (cited by Quest Diagnostics Nichols Institute San Juan Capistrano and Women's Health and Genetics/Laboratory Corporation of America, LabCorp).